The following is an entry in ClinVar:

NM_000283.4(PDE6B):c.1553A>T (p.Lys518Ile)

Gene: PDE6B (phosphodiesterase 6B; plus strand). Cytogenetic location: 4p16.3.
Variant type: single nucleotide variant.
Coding change: c.1553A>T on transcript NM_000283.4 (MANE Select); coding-DNA position 1553, A replaced by T.
Protein change: p.Lys518Ile; replaces lysine 518 with isoleucine.
Molecular consequence: missense variant.
Genome position (GRCh38, 1-based): chr4:660,552, A>T. VCF-style: chr4-660552-A-T. GRCh37 (hg19) VCF-style: chr4-654341-A-T.
Other names: c.1553A>T, p.Lys518Ile (NM_001145291.2); c.716A>T, p.Lys239Ile (NM_001145292.2, NM_001350154.3, NM_001379246.1 and 1 more transcripts); c.398A>T, p.Lys133Ile (NM_001350155.3); short protein forms K518I, K133I, K239I.
Identifiers: ClinVar variation 424485 (VCV000424485.15), dbSNP rs369561957, ClinGen allele CA2794573.

ClinVar aggregate classification (germline): Conflicting classifications of pathogenicity. Review status: criteria provided, conflicting classifications (1 of 4 stars). 4 submissions from 4 submitters: Pathogenic (1); Uncertain significance (3). Last evaluated 2026-02-13.

Conditions:
PDE6B-related disorder. Also called: PDE6B-related disease; PDE6B-related condition; PDE6B-related disorders.

Allele frequency attached by ClinVar (database versions not stated): gnomAD exomes 0.00001; ExAC 0.00002; ESP Exome Variant Server 0.00008; gnomAD 0.00009 and 0.00010; TOPMed 0.00014.
gnomAD v4.1: 29 of 1,613,730 alleles (0.0018%); highest among the groups gnomAD compares: African/African-American, 0.039%; no homozygotes.

Submissions (4):

PreventionGenetics, part of Exact Sciences
Classification: Uncertain significance for PDE6B-related condition. Last evaluated: 2026-02-13. Review status: criteria provided, single submitter. Criteria: ACMG Guidelines, 2015. Collection method: clinical testing. Allele origin: germline.
Comment: The PDE6B c.1553A>T variant is predicted to result in the amino acid substitution p.Lys518Ile. This variant has been reported in an individual with pericentral retinitis pigmentosa and in an individual with retinitis pigmentosa (Comander et al. 2017. PubMed ID: 28981474; Table S4, Panneman et al. 2023. PubMed ID: 36819107). This variant is reported in 0.016% of alleles in individuals of African descent in gnomAD. At this time, the clinical significance of this variant is uncertain due to the absence of conclusive functional and genetic evidence.

Labcorp Genetics (formerly Invitae), Labcorp
Classification: Uncertain significance. Last evaluated: 2025-05-05. Review status: criteria provided, single submitter. Criteria: Invitae Variant Classification Sherloc (09022015). Collection method: clinical testing. Allele origin: germline.
Comment: This sequence change replaces lysine, which is basic and polar, with isoleucine, which is neutral and non-polar, at codon 518 of the PDE6B protein (p.Lys518Ile). This variant is present in population databases (rs369561957, gnomAD 0.02%). This missense change has been observed in individuals with autosomal recessive retinitis pigmentosa (PMID: 28981474, 36819107; internal data). ClinVar contains an entry for this variant (Variation ID: 424485). Invitae Evidence Modeling of protein sequence and biophysical properties (such as structural, functional, and spatial information, amino acid conservation, physicochemical variation, residue mobility, and thermodynamic stability) has been performed for this missense variant. However, the output from this modeling did not meet the statistical confidence thresholds required to predict the impact of this variant on PDE6B protein function. In summary, the available evidence is currently insufficient to determine the role of this variant in disease. Therefore, it has been classified as a Variant of Uncertain Significance.

Blueprint Genetics
Classification: Pathogenic for PDE6B-related disorders. Last evaluated: 2022-11-11. Review status: criteria provided, single submitter. Criteria: ACMG Guidelines, 2015. Collection method: clinical testing. Allele origin: germline. Affected: yes. Observed: 5 variant alleles.

GeneDx
Classification: Uncertain significance. Last evaluated: 2019-11-22. Review status: criteria provided, single submitter. Criteria: GeneDx Variant Classification Process June 2021. Collection method: clinical testing. Allele origin: germline. Affected: yes.
Comment: In silico analysis, which includes protein predictors and evolutionary conservation, supports a deleterious effect; This variant is associated with the following publications: (PMID: 28981474)

Literature cited by the submitters: PubMed 28981474 (cited by Labcorp Genetics (formerly Invitae), Labcorp); PubMed 36819107 (cited by Labcorp Genetics (formerly Invitae), Labcorp).